The following is an entry in ClinVar:

ClinVar aggregate classification (germline): Likely benign (1 of 4 stars; one submission).

Submission:

GeneDx
Classification: Likely benign. Last evaluated: 2018-04-30. Review status: criteria provided, single submitter. Criteria: GeneDx Variant Classification (06012015). Collection method: clinical testing. Allele origin: germline. Affected: yes.
Comment: This variant is considered likely benign or benign based on one or more of the following criteria: it is a conservative change, it occurs at a poorly conserved position in the protein, it is predicted to be benign by multiple in silico algorithms, and/or has population frequency not consistent with disease.

NM_000092.5(COL4A4):c.-45G>A

Gene: COL4A4 (collagen type IV alpha 4 chain; minus strand). Cytogenetic location: 2q36.3.
Variant type: single nucleotide variant.
Coding change: c.-45G>A on transcript NM_000092.5 (MANE Select); 45 bases upstream of the start codon, G replaced by A.
Molecular consequence: 5 prime UTR variant.
Genome position (GRCh38, 1-based): chr2:227,147,528, C>T on the plus strand (G>A on the coding strand, the complement: COL4A4 is on the minus strand). VCF-style: chr2-227147528-C-T. GRCh37 (hg19) VCF-style: chr2-228012244-C-T.
Identifiers: ClinVar variation 682295 (VCV000682295.1), dbSNP rs1576874269, ClinGen allele CA915941767.